The following is an entry in ClinVar:

ClinVar aggregate classification (germline): Uncertain significance (1 of 4 stars; one submission).

Conditions:
Hereditary cancer-predisposing syndrome. Also called: Neoplastic Syndromes, Hereditary; Tumor predisposition; Hereditary Cancer Syndrome; Hereditary neoplastic syndrome. Identifiers: Orphanet 140162, MedGen C0027672, MeSH D009386, MONDO:0015356.

Submission:

Ambry Genetics
Classification: Uncertain significance for Hereditary cancer-predisposing syndrome. Last evaluated: 2025-11-09. Review status: criteria provided, single submitter. Criteria: Ambry Variant Classification Scheme 2023. Collection method: clinical testing. Allele origin: germline.
Comment: The p.A220G variant (also known as c.659C>G), located in coding exon 5 of the RAD50 gene, results from a C to G substitution at nucleotide position 659. The alanine at codon 220 is replaced by glycine, an amino acid with similar properties. This amino acid position is conserved. In addition, this alteration is predicted to be tolerated by in silico analysis. Based on the available evidence, the clinical significance of this variant remains unclear.

NM_005732.4(RAD50):c.659C>G (p.Ala220Gly)

Gene: RAD50 (RAD50 double strand break repair protein; plus strand). Cytogenetic location: 5q31.1.
Variant type: single nucleotide variant.
Coding change: c.659C>G on transcript NM_005732.4 (MANE Select); coding-DNA position 659, C replaced by G.
Protein change: p.Ala220Gly; replaces alanine 220 with glycine.
Molecular consequence: missense variant.
Genome position (GRCh38, 1-based): chr5:132,579,969, C>G. VCF-style: chr5-132579969-C-G. GRCh37 (hg19) VCF-style: chr5-131915661-C-G.
Other names: short protein forms A220G.
Identifiers: ClinVar variation 4678078 (VCV004678078.1).